The following is an entry in ClinVar:

NM_004035.7(ACOX1):c.1368C>A (p.Asn456Lys)

Gene: ACOX1 (acyl-CoA oxidase 1; minus strand). Cytogenetic location: 17q25.1.
Variant type: single nucleotide variant.
Coding change: c.1368C>A on transcript NM_004035.7 (MANE Select); coding-DNA position 1368, C replaced by A.
Protein change: p.Asn456Lys; replaces asparagine 456 with lysine.
Molecular consequence: missense variant.
Genome position (GRCh38, 1-based): chr17:75,949,828, G>T on the plus strand (C>A on the coding strand, the complement: ACOX1 is on the minus strand). VCF-style: chr17-75949828-G-T. GRCh37 (hg19) VCF-style: chr17-73945909-G-T.
Other names: c.1368C>A, p.Asn456Lys (NM_007292.6); c.1254C>A, p.Asn418Lys (NM_001185039.2); short protein forms N418K, N456K.
Identifiers: ClinVar variation 1470151 (VCV001470151.8), dbSNP rs151255626, ClinGen allele CA401061258.
Genomic context (GRCh38, chr17:75,949,828, plus strand): 5'-ATCCACCATGGTTGGCCAGACTGCTACCTGCTGTGGCTGGATGCGCTGACTGGGCAGGTC[G>T]TTCAAATAGGACACCATGCCACACACCAACTTTCCTGAGTGCACCTGATCATAACTTTTC-3'
Protein context (NP_004026.2, residues 446-466): KLVCGMVSYL[Asn456Lys]DLPSQRIQPQ

ClinVar aggregate classification (germline): Uncertain significance (1 of 4 stars; one submission).

Conditions:
Acyl-CoA oxidase deficiency. Also called: STRAIGHT-CHAIN ACYL-CoA OXIDASE DEFICIENCY; Pseudoneonatal adrenoleukodystrophy; Peroxisomal acyl-CoA oxidase deficiency. Identifiers: Orphanet 2971, MedGen C1849678, MONDO:0009919, OMIM 264470. Disease mechanism: loss of function.

Submission:

Labcorp Genetics (formerly Invitae), Labcorp
Classification: Uncertain significance for Acyl-CoA oxidase deficiency. Last evaluated: 2022-03-03. Review status: criteria provided, single submitter. Criteria: Invitae Variant Classification Sherloc (09022015). Collection method: clinical testing. Allele origin: germline.
Comment: In summary, the available evidence is currently insufficient to determine the role of this variant in disease. Therefore, it has been classified as a Variant of Uncertain Significance. Algorithms developed to predict the effect of sequence changes on RNA splicing suggest that this variant may create or strengthen a splice site. Algorithms developed to predict the effect of missense changes on protein structure and function are either unavailable or do not agree on the potential impact of this missense change (SIFT: "Deleterious"; PolyPhen-2: "Benign"; Align-GVGD: "Class C0"). This variant has not been reported in the literature in individuals affected with ACOX1-related conditions. This variant is not present in population databases (gnomAD no frequency). This sequence change replaces asparagine, which is neutral and polar, with lysine, which is basic and polar, at codon 456 of the ACOX1 protein (p.Asn456Lys).